The following is an entry in ClinVar:

NM_144997.7(FLCN):c.296A>C (p.Asp99Ala)

Gene: FLCN (folliculin; minus strand). Cytogenetic location: 17p11.2.
Variant type: single nucleotide variant.
Coding change: c.296A>C on transcript NM_144997.7 (MANE Select); coding-DNA position 296, A replaced by C.
Protein change: p.Asp99Ala; replaces aspartic acid 99 with alanine.
Molecular consequence: missense variant.
Genome position (GRCh38, 1-based): chr17:17,226,276, T>G on the plus strand (A>C on the coding strand, the complement: FLCN is on the minus strand). VCF-style: chr17-17226276-T-G. GRCh37 (hg19) VCF-style: chr17-17129590-T-G.
Other names: c.296A>C, p.Asp99Ala (NM_001353229.2, NM_001353230.2, NM_001353231.2 and 1 more transcripts); short protein forms D99A.
Identifiers: ClinVar variation 5021841 (VCV005021841.1).

ClinVar aggregate classification (germline): Uncertain significance (1 of 4 stars; one submission).

Conditions:
Hereditary cancer-predisposing syndrome. Also called: Neoplastic Syndromes, Hereditary; Tumor predisposition; Hereditary neoplastic syndrome; Hereditary Cancer Syndrome. Identifiers: Orphanet 140162, MedGen C0027672, MeSH D009386, MONDO:0015356.

Submission:

Ambry Genetics
Classification: Uncertain significance for Hereditary cancer-predisposing syndrome. Last evaluated: 2026-07-07. Review status: criteria provided, single submitter. Criteria: Ambry Variant Classification Scheme 2023. Collection method: clinical testing. Allele origin: germline.
Comment: The p.D99A variant (also known as c.296A>C), located in coding exon 2 of the FLCN gene, results from an A to C substitution at nucleotide position 296. The aspartic acid at codon 99 is replaced by alanine, an amino acid with dissimilar properties. This amino acid position is conserved. In addition, this alteration is predicted to be deleterious by in silico analysis. Based on the available evidence, the clinical significance of this variant remains unclear.